The following is an entry in ClinVar:

ClinVar aggregate classification (germline): Uncertain significance (0 of 4 stars; one submission).

Conditions:
PLXNA4-related disorder. Also called: PLXNA4-related condition.

Allele frequency attached by ClinVar (database versions not stated): gnomAD 0.00002; ESP Exome Variant Server 0.00008.

Submission:

PreventionGenetics, part of Exact Sciences
Classification: Uncertain significance for PLXNA4-related condition. Last evaluated: 2024-01-16. Review status: no assertion criteria provided. Collection method: clinical testing. Allele origin: germline.
Comment: The PLXNA4 c.896G>A variant is predicted to result in the amino acid substitution p.Gly299Asp. To our knowledge, this variant has not been reported in the literature. This variant is reported in 0.0080% of alleles in individuals of African descent in gnomAD. At this time, the clinical significance of this variant is uncertain due to the absence of conclusive functional and genetic evidence.

NM_020911.2(PLXNA4):c.896G>A (p.Gly299Asp)

Gene: PLXNA4 (plexin A4; minus strand). Cytogenetic location: 7q32.3.
Variant type: single nucleotide variant.
Coding change: c.896G>A on transcript NM_020911.2 (MANE Select); coding-DNA position 896, G replaced by A.
Protein change: p.Gly299Asp; replaces glycine 299 with aspartic acid.
Molecular consequence: missense variant.
Genome position (GRCh38, 1-based): chr7:132,507,798, C>T on the plus strand (G>A on the coding strand, the complement: PLXNA4 is on the minus strand). VCF-style: chr7-132507798-C-T. GRCh37 (hg19) VCF-style: chr7-132192557-C-T.
Other names: c.896G>A, p.Gly299Asp (NM_001105543.2, NM_001393897.1, NM_181775.4); short protein forms G299D.
Identifiers: ClinVar variation 2631967 (VCV002631967.3), dbSNP rs373905694, ClinGen allele CA4490424.